The following is an entry in ClinVar:

ClinVar aggregate classification (germline): Uncertain significance (1 of 4 stars; one submission).

Conditions:
Hereditary sensory and autonomic neuropathy type 7. Also called: HSAN VII; Neuropathy, hereditary sensory and autonomic, type VII. Identifiers: Orphanet 391397, MedGen C3809882, MONDO:0014244, OMIM 615548.
Familial episodic pain syndrome with predominantly lower limb involvement. Also called: Episodic pain syndrome, familial, 3. Identifiers: Orphanet 391384, Orphanet 391392, MedGen C3809899, MONDO:0014247, OMIM 615552.

Allele frequency attached by ClinVar (database versions not stated): ExAC 0.00002; gnomAD exomes 0.00001; gnomAD 0.00001.
gnomAD v4.1: 12 of 1,613,604 alleles (0.00074%); highest among the groups gnomAD compares: South Asian, 0.0033%; no homozygotes.

Submission:

Labcorp Genetics (formerly Invitae), Labcorp
Classification: Uncertain significance for Familial episodic pain syndrome with predominantly lower limb involvement; Hereditary sensory and autonomic neuropathy type 7. Last evaluated: 2025-02-19. Review status: criteria provided, single submitter. Criteria: Invitae Variant Classification Sherloc (09022015). Collection method: clinical testing. Allele origin: germline.
Comment: This sequence change replaces arginine, which is basic and polar, with tryptophan, which is neutral and slightly polar, at codon 354 of the SCN11A protein (p.Arg354Trp). This variant is present in population databases (rs753507140, gnomAD 0.003%). This missense change has been observed in individual(s) with neuropathy (PMID: 30554136). ClinVar contains an entry for this variant (Variation ID: 2936737). Invitae Evidence Modeling of protein sequence and biophysical properties (such as structural, functional, and spatial information, amino acid conservation, physicochemical variation, residue mobility, and thermodynamic stability) indicates that this missense variant is expected to disrupt SCN11A protein function with a positive predictive value of 80%. Algorithms developed to predict the effect of sequence changes on RNA splicing suggest that this variant may disrupt the consensus splice site. In summary, the available evidence is currently insufficient to determine the role of this variant in disease. Therefore, it has been classified as a Variant of Uncertain Significance.

Literature cited by the submitters: PubMed 30554136.

NM_001349253.2(SCN11A):c.1060C>T (p.Arg354Trp)

Gene: SCN11A (sodium voltage-gated channel alpha subunit 11; minus strand). Cytogenetic location: 3p22.2.
Variant type: single nucleotide variant.
Coding change: c.1060C>T on transcript NM_001349253.2 (MANE Select); coding-DNA position 1060, C replaced by T.
Protein change: p.Arg354Trp; replaces arginine 354 with tryptophan.
Molecular consequence: missense variant.
Genome position (GRCh38, 1-based): chr3:38,910,107, G>A on the plus strand (C>T on the coding strand, the complement: SCN11A is on the minus strand). VCF-style: chr3-38910107-G-A. GRCh37 (hg19) VCF-style: chr3-38951598-G-A.
Other names: c.1060C>T, p.Arg354Trp (NM_014139.3); short protein forms R354W.
Identifiers: ClinVar variation 2936737 (VCV002936737.3), dbSNP rs753507140, ClinGen allele CA2322417.